The following is an entry in ClinVar:

NM_198252.3(GSN):c.1621G>C (p.Asp541His)

Gene: GSN (gelsolin; plus strand). Cytogenetic location: 9q33.2.
Variant type: single nucleotide variant.
Coding change: c.1621G>C on transcript NM_198252.3 (MANE Select); coding-DNA position 1621, G replaced by C.
Protein change: p.Asp541His; replaces aspartic acid 541 with histidine.
Molecular consequence: missense variant.
Genome position (GRCh38, 1-based): chr9:121,327,341, G>C. VCF-style: chr9-121327341-G-C. GRCh37 (hg19) VCF-style: chr9-124089619-G-C.
Other names: c.1621G>C, p.Asp541His (NM_001127664.2, NM_001127665.2, NM_001353053.1 and 10 more transcripts); c.1654G>C, p.Asp552His (NM_001127666.2, NM_001127667.2, NM_001353066.2 and 13 more transcripts); c.1672G>C, p.Asp558His (NM_001258029.2); c.1645G>C, p.Asp549His (NM_001258030.2); c.1774G>C, p.Asp592His (NM_000177.5); c.1729G>C, p.Asp577His (NM_001127663.2); c.1693G>C, p.Asp565His (NM_001353076.2); c.967G>C, p.Asp323His (NM_001353078.2); short protein forms D323H, D565H, D541H, D552H, D592H, D549H, D558H, D577H.
Identifiers: ClinVar variation 2832302 (VCV002832302.3), dbSNP rs749896585, ClinGen allele CA374755675.

ClinVar aggregate classification (germline): Uncertain significance (1 of 4 stars; one submission).

Submission:

Labcorp Genetics (formerly Invitae), Labcorp
Classification: Uncertain significance. Last evaluated: 2023-01-27. Review status: criteria provided, single submitter. Criteria: Invitae Variant Classification Sherloc (09022015). Collection method: clinical testing. Allele origin: germline.
Comment: In summary, the available evidence is currently insufficient to determine the role of this variant in disease. Therefore, it has been classified as a Variant of Uncertain Significance. Algorithms developed to predict the effect of sequence changes on RNA splicing suggest that this variant may create or strengthen a splice site. Advanced modeling of protein sequence and biophysical properties (such as structural, functional, and spatial information, amino acid conservation, physicochemical variation, residue mobility, and thermodynamic stability) performed at Invitae indicates that this missense variant is expected to disrupt GSN protein function. This variant has not been reported in the literature in individuals affected with GSN-related conditions. This variant is not present in population databases (gnomAD no frequency). This sequence change replaces aspartic acid, which is acidic and polar, with histidine, which is basic and polar, at codon 592 of the GSN protein (p.Asp592His).